The following is an entry in ClinVar:

NM_145239.3(PRRT2):c.493G>A (p.Asp165Asn)

Genes: MVP-DT (MVP divergent transcript; minus strand), PRRT2 (proline rich transmembrane protein 2; plus strand). Cytogenetic location: 16p11.2.
Variant type: single nucleotide variant.
Coding change: c.493G>A on transcript NM_145239.3 (MANE Select); coding-DNA position 493, G replaced by A.
Protein change: p.Asp165Asn; replaces aspartic acid 165 with asparagine.
Molecular consequence: missense variant.
Genome position (GRCh38, 1-based): chr16:29,813,547, G>A. VCF-style: chr16-29813547-G-A. GRCh37 (hg19) VCF-style: chr16-29824868-G-A.
Other names: c.493G>A, p.Asp165Asn (NM_001256442.2, NM_001256443.2); short protein forms D165N.
Identifiers: ClinVar variation 576233 (VCV000576233.14), dbSNP rs1319381076, ClinGen allele CA395478812.

ClinVar aggregate classification (germline): Conflicting classifications of pathogenicity. Review status: criteria provided, conflicting classifications (1 of 4 stars). 2 submissions from 2 submitters: Uncertain significance (1); Likely benign (1). Last evaluated 2025-10-26.

Conditions:
Episodic kinesigenic dyskinesia (EKD). Also called: Paroxysmal kinesigenic dyskinesia. Identifiers: Orphanet 98809, MedGen C1868682, MONDO:0044202.
Inborn genetic diseases. Identifiers: MedGen C0950123, MeSH D030342.

Allele frequency attached by ClinVar (database versions not stated): gnomAD 0.00001; TOPMed 0.00003.

Submissions (2):

Labcorp Genetics (formerly Invitae), Labcorp
Classification: Uncertain significance for Episodic kinesigenic dyskinesia. Last evaluated: 2025-10-26. Review status: criteria provided, single submitter. Criteria: Invitae Variant Classification Sherloc (09022015). Collection method: clinical testing. Allele origin: germline.
Comment: This sequence change replaces aspartic acid, which is acidic and polar, with asparagine, which is neutral and polar, at codon 165 of the PRRT2 protein (p.Asp165Asn). This variant is not present in population databases (gnomAD no frequency). This variant has not been reported in the literature in individuals affected with PRRT2-related conditions. ClinVar contains an entry for this variant (Variation ID: 576233). Invitae Evidence Modeling of protein sequence and biophysical properties (such as structural, functional, and spatial information, amino acid conservation, physicochemical variation, residue mobility, and thermodynamic stability) indicates that this missense variant is not expected to disrupt PRRT2 protein function with a negative predictive value of 95%. In summary, the available evidence is currently insufficient to determine the role of this variant in disease. Therefore, it has been classified as a Variant of Uncertain Significance.

Ambry Genetics
Classification: Likely benign for Inborn genetic diseases. Last evaluated: 2025-09-04. Review status: criteria provided, single submitter. Criteria: Ambry Variant Classification Scheme 2023. Collection method: clinical testing. Allele origin: germline.